The following is an entry in ClinVar:

ClinVar aggregate classification (germline): Likely pathogenic (1 of 4 stars; one submission).

Conditions:
CHARGE syndrome (CHARGE). Also called: Hittner Hirsch Kreh syndrome; CHARGE ASSOCIATION--COLOBOMA, HEART ANOMALY, CHOANAL ATRESIA, RETARDATION, GENITAL AND EAR ANOMALIES; Coloboma, heart anomaly, choanal atresia, retardation, genital and ear anomalies; CHARGE association; Hall-Hittner syndrome. Identifiers: Orphanet 138, MedGen C0265354, MONDO:0008965.

Submission:

Labcorp Genetics (formerly Invitae), Labcorp
Classification: Likely pathogenic for CHARGE syndrome. Last evaluated: 2024-10-09. Review status: criteria provided, single submitter. Criteria: Invitae Variant Classification Sherloc (09022015). Collection method: clinical testing. Allele origin: germline.
Comment: This sequence change affects an acceptor splice site in intron 9 of the CHD7 gene. It is expected to disrupt RNA splicing. Variants that disrupt the donor or acceptor splice site typically lead to a loss of protein function (PMID: 16199547), and loss-of-function variants in CHD7 are known to be pathogenic (PMID: 22461308, 25077900). This variant is not present in population databases (gnomAD no frequency). This variant has not been reported in the literature in individuals affected with CHD7-related conditions. Algorithms developed to predict the effect of sequence changes on RNA splicing suggest that this variant may disrupt the consensus splice site. In summary, the currently available evidence indicates that the variant is pathogenic, but additional data are needed to prove that conclusively. Therefore, this variant has been classified as Likely Pathogenic.

Literature cited by the submitters: PubMed 16199547; PubMed 22461308; PubMed 25077900.

NM_017780.4(CHD7):c.2698-1G>T

Gene: CHD7 (chromodomain helicase DNA binding protein 7; plus strand). Cytogenetic location: 8q12.2.
Variant type: single nucleotide variant.
Coding change: c.2698-1G>T on transcript NM_017780.4 (MANE Select); the canonical splice acceptor site of the intron before coding-DNA position 2698, G replaced by T.
Molecular consequence: splice acceptor variant. On other transcripts: intron variant (1).
Genome position (GRCh38, 1-based): chr8:60,821,789, G>T. VCF-style: chr8-60821789-G-T. GRCh37 (hg19) VCF-style: chr8-61734348-G-T.
Other names: c.1717-40440G>T (NM_001316690.1).
Identifiers: ClinVar variation 3722529 (VCV003722529.2).